The following is an entry in ClinVar:

NM_001852.4(COL9A2):c.1310C>G (p.Pro437Arg)

Gene: COL9A2 (collagen type IX alpha 2 chain; minus strand). Cytogenetic location: 1p34.2.
Variant type: single nucleotide variant.
Coding change: c.1310C>G on transcript NM_001852.4 (MANE Select); coding-DNA position 1310, C replaced by G.
Protein change: p.Pro437Arg; replaces proline 437 with arginine.
Molecular consequence: missense variant.
Genome position (GRCh38, 1-based): chr1:40,304,077, G>C on the plus strand (C>G on the coding strand, the complement: COL9A2 is on the minus strand). VCF-style: chr1-40304077-G-C. GRCh37 (hg19) VCF-style: chr1-40769749-G-C.
Other names: short protein forms P437R.
Identifiers: ClinVar variation 1305905 (VCV001305905.6), dbSNP rs777717075, ClinGen allele CA791497.

ClinVar aggregate classification (germline): Uncertain significance. Review status: criteria provided, multiple submitters, no conflicts (2 of 4 stars). 2 submissions from 2 submitters: Uncertain significance (2). Last evaluated 2021-12-22.

Allele frequency attached by ClinVar (database versions not stated): gnomAD 0.00001; gnomAD exomes 0.00001; TOPMed 0.00001.
gnomAD v4.1: 8 of 1,574,570 alleles (0.00051%); highest among the groups gnomAD compares: Non-Finnish European, 0.00069%; no homozygotes.

Submissions (2):

Labcorp Genetics (formerly Invitae), Labcorp
Classification: Uncertain significance. Last evaluated: 2021-12-22. Review status: criteria provided, single submitter. Criteria: Invitae Variant Classification Sherloc (09022015). Collection method: clinical testing. Allele origin: germline.
Comment: In summary, the available evidence is currently insufficient to determine the role of this variant in disease. Therefore, it has been classified as a Variant of Uncertain Significance. Advanced modeling of protein sequence and biophysical properties (such as structural, functional, and spatial information, amino acid conservation, physicochemical variation, residue mobility, and thermodynamic stability) performed at Invitae indicates that this missense variant is not expected to disrupt COL9A2 protein function. ClinVar contains an entry for this variant (Variation ID: 1305905). This variant has not been reported in the literature in individuals affected with COL9A2-related conditions. This variant is not present in population databases (gnomAD no frequency). This sequence change replaces proline, which is neutral and non-polar, with arginine, which is basic and polar, at codon 437 of the COL9A2 protein (p.Pro437Arg).

GeneDx
Classification: Uncertain significance. Last evaluated: 2019-05-16. Review status: criteria provided, single submitter. Criteria: GeneDx Variant Classification Process June 2021. Collection method: clinical testing. Allele origin: germline. Affected: yes.
Comment: Has not been previously published as pathogenic or benign to our knowledge; Not observed in large population cohorts (Lek et al., 2016); In silico analysis, which includes protein predictors and evolutionary conservation, supports a deleterious effect